The following is an entry in ClinVar:

ClinVar aggregate classification (germline): Uncertain significance (1 of 4 stars; one submission).

Allele frequency attached by ClinVar (database versions not stated): gnomAD exomes below 0.00001; ExAC 0.00001; gnomAD 0.00001; TOPMed 0.00002.
gnomAD v4.1: 3 of 1,613,642 alleles (0.00019%); highest among the groups gnomAD compares: African/African-American, 0.004%; no homozygotes.

Submission:

Labcorp Genetics (formerly Invitae), Labcorp
Classification: Uncertain significance. Last evaluated: 2024-12-11. Review status: criteria provided, single submitter. Criteria: Invitae Variant Classification Sherloc (09022015). Collection method: clinical testing. Allele origin: germline.
Comment: This sequence change replaces aspartic acid, which is acidic and polar, with asparagine, which is neutral and polar, at codon 251 of the VCAN protein (p.Asp251Asn). This variant is present in population databases (rs750543900, gnomAD 0.007%). This variant has not been reported in the literature in individuals affected with VCAN-related conditions. ClinVar contains an entry for this variant (Variation ID: 1385655). An algorithm developed to predict the effect of missense changes on protein structure and function (PolyPhen-2) suggests that this variant is likely to be disruptive. In summary, the available evidence is currently insufficient to determine the role of this variant in disease. Therefore, it has been classified as a Variant of Uncertain Significance.

NM_004385.5(VCAN):c.751G>A (p.Asp251Asn)

Gene: VCAN (versican; plus strand). Cytogenetic location: 5q14.3.
Variant type: single nucleotide variant.
Coding change: c.751G>A on transcript NM_004385.5 (MANE Select); coding-DNA position 751, G replaced by A.
Protein change: p.Asp251Asn; replaces aspartic acid 251 with asparagine.
Molecular consequence: missense variant.
Genome position (GRCh38, 1-based): chr5:83,512,105, G>A. VCF-style: chr5-83512105-G-A. GRCh37 (hg19) VCF-style: chr5-82807924-G-A.
Other names: c.751G>A, p.Asp251Asn (NM_001126336.3, NM_001164097.2, NM_001164098.2); short protein forms D251N.
Identifiers: ClinVar variation 1385655 (VCV001385655.6), dbSNP rs750543900, ClinGen allele CA3332529.